The following is an entry in ClinVar:

ClinVar aggregate classification (germline): Likely benign. Review status: criteria provided, multiple submitters, no conflicts (2 of 4 stars). 3 submissions from 3 submitters: Likely benign (3). Last evaluated 2026-08-01.

Conditions:
RAB3GAP1-related disorder. Also called: RAB3GAP1-related condition; RAB3GAP1-related disorders.

Allele frequency attached by ClinVar (database versions not stated): gnomAD 0.00001; gnomAD exomes 0.00004 and 0.00020; TOPMed 0.00005; ExAC 0.00015.
gnomAD v4.1: 54 of 1,613,418 alleles (0.0033%); highest among the groups gnomAD compares: Admixed American, 0.09%; no homozygotes.

Submissions (3):

CeGaT Center for Human Genetics Tuebingen
Classification: Likely benign. Last evaluated: 2026-08-01. Review status: criteria provided, single submitter. Criteria: CeGaT Center For Human Genetics Tuebingen Variant Classification Criteria Version 2. Collection method: clinical testing. Allele origin: germline. Affected: yes. Observed: 2 variant alleles.
Comment: RAB3GAP1: BP4, BP7

Labcorp Genetics (formerly Invitae), Labcorp
Classification: Likely benign. Last evaluated: 2026-01-15. Review status: criteria provided, single submitter. Criteria: Invitae Variant Classification Sherloc (09022015). Collection method: clinical testing. Allele origin: germline.

PreventionGenetics, part of Exact Sciences
Classification: Likely benign for RAB3GAP1-related condition. Last evaluated: 2025-12-09. Review status: criteria provided, single submitter. Criteria: ACMG Guidelines, 2015. Collection method: clinical testing. Allele origin: germline.
Comment: This variant is classified as likely benign based on ACMG/AMP sequence variant interpretation guidelines (Richards et al. 2015 PMID: 25741868, with internal and published modifications).

NM_012233.3(RAB3GAP1):c.1023T>C (p.Thr341=)

Gene: RAB3GAP1 (RAB3 GTPase activating protein catalytic subunit 1; plus strand). Cytogenetic location: 2q21.3.
Variant type: single nucleotide variant.
Coding change: c.1023T>C on transcript NM_012233.3 (MANE Select); coding-DNA position 1023, T replaced by C.
Protein change: p.Thr341=; no amino-acid change (threonine 341 retained).
Molecular consequence: synonymous variant.
Genome position (GRCh38, 1-based): chr2:135,130,044, T>C. VCF-style: chr2-135130044-T-C. GRCh37 (hg19) VCF-style: chr2-135887614-T-C.
Other names: c.1023T>C, p.Thr341= (NM_001172435.2).
Identifiers: ClinVar variation 707155 (VCV000707155.10), dbSNP rs753631508, ClinGen allele CA1884735.